The following is an entry in ClinVar:

NM_006269.2(RP1):c.5197A>G (p.Thr1733Ala)

Genes: RP1 (RP1 axonemal microtubule associated; plus strand), LOC126860392 (CDK7 strongly-dependent group 2 enhancer GRCh37_chr8:55541319-55542518; plus strand). Cytogenetic location: 8q12.1.
Variant type: single nucleotide variant.
Coding change: c.5197A>G on transcript NM_006269.2 (MANE Select); coding-DNA position 5197, A replaced by G.
Protein change: p.Thr1733Ala; replaces threonine 1733 with alanine.
Molecular consequence: missense variant. On other transcripts: intron variant (1).
Genome position (GRCh38, 1-based): chr8:54,629,079, A>G. VCF-style: chr8-54629079-A-G. GRCh37 (hg19) VCF-style: chr8-55541639-A-G.
Other names: c.787+6791A>G (NM_001375654.1); c.5197A>G (NM_006269.1); short protein forms T1733A.
Identifiers: ClinVar variation 3722971 (VCV003722971.3).

ClinVar aggregate classification (germline): Uncertain significance. Review status: criteria provided, multiple submitters, no conflicts (2 of 4 stars). 2 submissions from 2 submitters: Uncertain significance (2). Last evaluated 2025-06-10.

gnomAD v4.1: 1 of 1,614,152 alleles (0.000062%); highest among the groups gnomAD compares: African/African-American, 0.0013%; no homozygotes.

Submissions (2):

GeneDx
Classification: Uncertain significance. Last evaluated: 2025-06-10. Review status: criteria provided, single submitter. Criteria: GeneDx Variant Classification Process June 2021. Collection method: clinical testing. Allele origin: germline. Affected: yes.
Comment: Not observed at significant frequency in large population cohorts (gnomAD); In silico analysis suggests that this missense variant does not alter protein structure/function; Has not been previously published as pathogenic or benign to our knowledge

Labcorp Genetics (formerly Invitae), Labcorp
Classification: Uncertain significance. Last evaluated: 2024-10-21. Review status: criteria provided, single submitter. Criteria: Invitae Variant Classification Sherloc (09022015). Collection method: clinical testing. Allele origin: germline.
Comment: This sequence change replaces threonine, which is neutral and polar, with alanine, which is neutral and non-polar, at codon 1733 of the RP1 protein (p.Thr1733Ala). This variant is not present in population databases (gnomAD no frequency). This variant has not been reported in the literature in individuals affected with RP1-related conditions. An algorithm developed to predict the effect of missense changes on protein structure and function (PolyPhen-2) suggests that this variant is likely to be tolerated. In summary, the available evidence is currently insufficient to determine the role of this variant in disease. Therefore, it has been classified as a Variant of Uncertain Significance.